The following is an entry in ClinVar:

NM_198576.4(AGRN):c.5299G>T (p.Gly1767Cys)

Gene: AGRN (agrin; plus strand). Cytogenetic location: 1p36.33.
Variant type: single nucleotide variant.
Coding change: c.5299G>T on transcript NM_198576.4 (MANE Select); coding-DNA position 5299, G replaced by T.
Protein change: p.Gly1767Cys; replaces glycine 1767 with cysteine.
Molecular consequence: missense variant.
Genome position (GRCh38, 1-based): chr1:1,051,298, G>T. VCF-style: chr1-1051298-G-T. GRCh37 (hg19) VCF-style: chr1-986678-G-T.
Other names: c.5311G>T, p.Gly1771Cys (NM_001305275.2); c.4996G>T, p.Gly1666Cys (NM_001364727.2); short protein forms G1767C, G1666C, G1771C.
Identifiers: ClinVar variation 571366 (VCV000571366.10), dbSNP rs1426112549, ClinGen allele CA337781265.

ClinVar aggregate classification (germline): Uncertain significance (1 of 4 stars; one submission).

Conditions:
Congenital myasthenic syndrome 8. Also called: Myasthenic syndrome, congenital, 8, with pre- and postsynaptic defects; MYASTHENIC SYNDROME, CONGENITAL, DUE TO AGRIN DEFICIENCY. Identifiers: Orphanet 590, MedGen C3808739, MONDO:0014052, OMIM 615120.

Allele frequency attached by ClinVar (database versions not stated): TOPMed 0.00001; gnomAD 0.00001.
gnomAD v4.1: 3 of 1,573,610 alleles (0.00019%); highest among the groups gnomAD compares: African/African-American, 0.0027%; no homozygotes.

Submission:

Labcorp Genetics (formerly Invitae), Labcorp
Classification: Uncertain significance for Congenital myasthenic syndrome 8. Last evaluated: 2020-02-15. Review status: criteria provided, single submitter. Criteria: Invitae Variant Classification Sherloc (09022015). Collection method: clinical testing. Allele origin: germline.
Comment: This variant has not been reported in the literature in individuals with AGRN-related disease. In summary, the available evidence is currently insufficient to determine the role of this variant in disease. Therefore, it has been classified as a Variant of Uncertain Significance. Algorithms developed to predict the effect of sequence changes on RNA splicing suggest that this variant may create or strengthen a splice site, but this prediction has not been confirmed by published transcriptional studies. Algorithms developed to predict the effect of missense changes on protein structure and function do not agree on the potential impact of this missense change (SIFT: "Deleterious"; PolyPhen-2: "Probably Damaging"; Align-GVGD: "Class C0"). This variant is not present in population databases (ExAC no frequency). This sequence change replaces glycine with cysteine at codon 1767 of the AGRN protein (p.Gly1767Cys). The glycine residue is highly conserved and there is a large physicochemical difference between glycine and cysteine.